The following is an entry in ClinVar:

NM_153676.4(USH1C):c.1085+7A>G

Gene: USH1C (USH1 protein network component harmonin; minus strand). Cytogenetic location: 11p15.1.
Variant type: single nucleotide variant.
Coding change: c.1085+7A>G on transcript NM_153676.4 (MANE Select); 7 bases into the intron after coding-DNA position 1085, A replaced by G.
Molecular consequence: intron variant.
Genome position (GRCh38, 1-based): chr11:17,521,339, T>C on the plus strand (A>G on the coding strand, the complement: USH1C is on the minus strand). VCF-style: chr11-17521339-T-C. GRCh37 (hg19) VCF-style: chr11-17542886-T-C.
Other names: c.1028+7A>G (NM_001297764.2); c.1085+7A>G (NM_005709.4, NM_153676.3).
Identifiers: ClinVar variation 879130 (VCV000879130.12), dbSNP rs1025205332, ClinGen allele CA218454364.

ClinVar aggregate classification (germline): Conflicting classifications of pathogenicity. Review status: criteria provided, conflicting classifications (1 of 4 stars). 3 submissions from 3 submitters: Uncertain significance (1); Likely benign (2). Last evaluated 2025-10-19.

Conditions:
USH1C-related disorder. Also called: USH1C-related condition.
Usher syndrome type 1C. Also called: USHER SYNDROME, TYPE I, ACADIAN VARIETY. Identifiers: Orphanet 231169, Orphanet 886, MedGen C1848604, MONDO:0010171, OMIM 276904.

Allele frequency attached by ClinVar (database versions not stated): gnomAD exomes below 0.00001; TOPMed 0.00002.
gnomAD v4.1: 7 of 1,613,958 alleles (0.00043%); highest among the groups gnomAD compares: African/African-American, 0.0053%; 1 homozygote.

Submissions (3):

PreventionGenetics, part of Exact Sciences
Classification: Likely benign for USH1C-related condition. Last evaluated: 2025-10-19. Review status: criteria provided, single submitter. Criteria: ACMG Guidelines, 2015. Collection method: clinical testing. Allele origin: germline.
Comment: This variant is classified as likely benign based on ACMG/AMP sequence variant interpretation guidelines (Richards et al. 2015 PMID: 25741868, with internal and published modifications).

Labcorp Genetics (formerly Invitae), Labcorp
Classification: Likely benign. Last evaluated: 2023-11-27. Review status: criteria provided, single submitter. Criteria: Invitae Variant Classification Sherloc (09022015). Collection method: clinical testing. Allele origin: germline.

Illumina Laboratory Services, Illumina
Classification: Uncertain significance for Usher syndrome type 1C. Last evaluated: 2018-01-12. Review status: criteria provided, single submitter. Criteria: ICSL Variant Classification Criteria 13 December 2019. Collection method: clinical testing. Allele origin: germline.